The following is an entry in ClinVar:

GRCh38/hg38 10p15.3-15.2(chr10:2650464-3091891)x3

Genes: PFKP (phosphofructokinase, platelet; plus strand), PFKP-DT (PFKP divergent transcript; minus strand), LOC126860824 (CDK7 strongly-dependent group 2 enhancer GRCh37_chr10:3132863-3134062; plus strand), LOC129390121 (MPRA-validated peak843 silencer; plus strand), LOC130003171 (ATAC-STARR-seq lymphoblastoid silent region 2069; plus strand) and 6 more. Cytogenetic location: 10p15.3-15.2.
Variant type: copy number gain.
Change: copy number 3 (three copies instead of two) of chr10:2,650,464-3,091,891 (441.4 kb, GRCh38 coordinates, 1-based), cytogenetic band 10p15.3-15.2.
Identifiers: ClinVar variation 4852033 (VCV004852033.1).

ClinVar aggregate classification (germline): Uncertain significance (1 of 4 stars; one submission).

Submission:

Clinical Genomics Laboratory, Laboratory for Precision Diagnostics, University of Washington
Classification: Uncertain significance. Last evaluated: 2022-05-06. Review status: criteria provided, single submitter. Criteria: ACMG/ClinGen CNV Guidelines, 2019. Collection method: clinical testing. Allele origin: unknown. Affected: yes. Observed: 1 variant allele.
Comment: The duplication is approximately 441 kb in size and affects a single protein-coding gene. The proximal breakpoint of the duplication falls within intron 2 of PFKP (NM_002627.5). It is unknown whether this duplication would disrupt PFKP or affect its expression. DECIPHER patient 287983 has a similar duplication and "abnormal heart morphology." That patient also has a second copy number variant and inheritance of the CNVs is unknown. PMID: 27821535 found a whole-gene deletion of PFKP in 1 of 225 people with heterotaxy. However, a whole-gene deletion of PFKP is found in the Database of Genomic Variants (DGV) at 0.13% frequency. PFKP is not predicted to be haploinsufficient by any model. This specific duplication is found in the DGV at 0.25% frequency and in gnomAD at 0.30% frequency amongst all alleles. ClinVar includes one similar duplication, seen in a person with "developmental delay and/or other other significant developmental or morphological phenotypes." It was classified as Benign by GeneDx in April of 2011.

Literature cited by the submitters: PubMed 27821535.